The following is an entry in ClinVar:

NM_015450.3(POT1):c.1686+32A>G

Gene: POT1 (protection of telomeres 1; minus strand). Cytogenetic location: 7q31.33.
Variant type: single nucleotide variant.
Coding change: c.1686+32A>G on transcript NM_015450.3 (MANE Select); 32 bases into the intron after coding-DNA position 1686, A replaced by G.
Molecular consequence: intron variant.
Genome position (GRCh38, 1-based): chr7:124,827,182, T>C on the plus strand (A>G on the coding strand, the complement: POT1 is on the minus strand). VCF-style: chr7-124827182-T-C. GRCh37 (hg19) VCF-style: chr7-124467236-T-C.
Other names: c.1293+32A>G (NM_001042594.2).
Identifiers: ClinVar variation 1691877 (VCV001691877.14), dbSNP rs749702835, ClinGen allele CA4465017.
Genomic context (GRCh38, chr7:124,827,182, plus strand): 5'-CTTTTAGGAACAAAGCAGGTATGAATAAATGTATTCAATTTTTTAAATATTATTTTTTAA[T>C]TAAAAATATCTTTATTACCTCTGATACTTACAGAATCCATGAGATAGGCTTCTAGTACTC-3'

ClinVar aggregate classification (germline): Conflicting classifications of pathogenicity. Review status: criteria provided, conflicting classifications (1 of 4 stars). 4 submissions from 4 submitters: Uncertain significance (2); Benign (1); Likely benign (1). Last evaluated 2025-04-21.

Conditions:
Tumor predisposition syndrome 3 (TPDS3). Also called: Glioma susceptibility 9; LONG TELOMERE SYNDROME, POT1-RELATED; POT1 Tumor Predisposition; Melanoma, cutaneous malignant, susceptibility to, 10. Identifiers: Orphanet 618, MedGen C4014476, MONDO:0014368, OMIM 615848.
Hereditary cancer-predisposing syndrome. Also called: Hereditary neoplastic syndrome; Hereditary Cancer Syndrome; Tumor predisposition; Neoplastic Syndromes, Hereditary. Identifiers: Orphanet 140162, MedGen C0027672, MeSH D009386, MONDO:0015356.

Allele frequency attached by ClinVar (database versions not stated): TOPMed 0.00007; gnomAD 0.00010 and 0.00011; gnomAD exomes 0.00010 and 0.00020; ExAC 0.00081.
gnomAD v4.1: 126 of 1,237,644 alleles (0.01%); highest among the groups gnomAD compares: South Asian, 0.014%; no homozygotes.

Submissions (4):

GeneDx
Classification: Uncertain significance. Last evaluated: 2025-04-21. Review status: criteria provided, single submitter. Criteria: GeneDx Variant Classification Process June 2021. Collection method: clinical testing. Allele origin: germline. Affected: yes.
Comment: In silico analysis indicates that this variant does not alter splicing; This variant is associated with the following publications: (PMID: 24686846, 29523635)

Center for Genomic Medicine, Rigshospitalet, Copenhagen University Hospital
Classification: Likely benign. Last evaluated: 2025-03-04. Review status: criteria provided, single submitter. Criteria: ACMG Guidelines, 2015. Collection method: clinical testing. Allele origin: germline.

Labcorp Genetics (formerly Invitae), Labcorp
Classification: Benign for Tumor predisposition syndrome 3. Last evaluated: 2021-12-09. Review status: criteria provided, single submitter. Criteria: Invitae Variant Classification Sherloc (09022015). Collection method: clinical testing. Allele origin: germline.

Sema4
Classification: Uncertain significance for Hereditary cancer-predisposing syndrome. Last evaluated: 2021-08-27. Review status: criteria provided, single submitter. Criteria: Sema4 Curation Guidelines. Collection method: curation. Allele origin: germline.
Comment: The POT1 c.1686+32A>G variant has been reported in patients with melanoma (PMID: 29523635, 24686846). It was observed in 20/76114 chromosomes of the Non-Finnish European subpopulation in the large and broad cohorts of the Genome Aggregation Database (PMID: 32461654). The variant has not been reported in ClinVar. The evidence is insufficient to meet ACMG/AMP criteria for classifying the variant as benign or pathogenic.

Literature cited by the submitters: PubMed 29523635 (cited by Sema4); PubMed 24686846 (cited by Sema4).